The following is an entry in ClinVar:

ClinVar aggregate classification (germline): Uncertain significance. Review status: criteria provided, multiple submitters, no conflicts (2 of 4 stars). 2 submissions from 2 submitters: Uncertain significance (2). Last evaluated 2025-07-28.

Conditions:
Hereditary cancer-predisposing syndrome. Also called: Hereditary Cancer Syndrome; Tumor predisposition; Hereditary neoplastic syndrome; Neoplastic Syndromes, Hereditary. Identifiers: Orphanet 140162, MedGen C0027672, MeSH D009386, MONDO:0015356.
Oligodontia-cancer predisposition syndrome. Also called: TOOTH AGENESIS-COLORECTAL CANCER SYNDROME. Identifiers: Orphanet 300576, MedGen C1837750, MONDO:0012075, OMIM 608615. Disease mechanism: loss of function.

Submissions (2):

Ambry Genetics
Classification: Uncertain significance for Hereditary cancer-predisposing syndrome. Last evaluated: 2025-07-28. Review status: criteria provided, single submitter. Criteria: Ambry Variant Classification Scheme 2023. Collection method: clinical testing. Allele origin: germline.
Comment: The p.T258R variant (also known as c.773C>G), located in coding exon 1 of the AXIN2 gene, results from a C to G substitution at nucleotide position 773. The threonine at codon 258 is replaced by arginine, an amino acid with similar properties. This amino acid position is conserved. In addition, the in silico prediction for this alteration is inconclusive. Based on the available evidence, the clinical significance of this variant remains unclear.

Labcorp Genetics (formerly Invitae), Labcorp
Classification: Uncertain significance for Oligodontia-cancer predisposition syndrome. Last evaluated: 2024-08-13. Review status: criteria provided, single submitter. Criteria: Invitae Variant Classification Sherloc (09022015). Collection method: clinical testing. Allele origin: germline.
Comment: This sequence change replaces threonine, which is neutral and polar, with arginine, which is basic and polar, at codon 258 of the AXIN2 protein (p.Thr258Arg). This variant is not present in population databases (gnomAD no frequency). This variant has not been reported in the literature in individuals affected with AXIN2-related conditions. Advanced modeling of protein sequence and biophysical properties (such as structural, functional, and spatial information, amino acid conservation, physicochemical variation, residue mobility, and thermodynamic stability) performed at Invitae indicates that this missense variant is not expected to disrupt AXIN2 protein function with a negative predictive value of 80%. In summary, the available evidence is currently insufficient to determine the role of this variant in disease. Therefore, it has been classified as a Variant of Uncertain Significance.

NM_004655.4(AXIN2):c.773C>G (p.Thr258Arg)

Gene: AXIN2 (axin 2; minus strand). Cytogenetic location: 17q24.1.
Variant type: single nucleotide variant.
Coding change: c.773C>G on transcript NM_004655.4 (MANE Select); coding-DNA position 773, C replaced by G.
Protein change: p.Thr258Arg; replaces threonine 258 with arginine.
Molecular consequence: missense variant.
Genome position (GRCh38, 1-based): chr17:65,557,848, G>C on the plus strand (C>G on the coding strand, the complement: AXIN2 is on the minus strand). VCF-style: chr17-65557848-G-C. GRCh37 (hg19) VCF-style: chr17-63553966-G-C.
Other names: c.773C>G, p.Thr258Arg (NM_001363813.1); short protein forms T258R.
Identifiers: ClinVar variation 3662214 (VCV003662214.3).